The following is an entry in ClinVar:

ClinVar aggregate classification (germline): Uncertain significance (1 of 4 stars; one submission).

Conditions:
Familial cancer of breast. Also called: BREAST CANCER, FAMILIAL; hereditary breast carcinoma; Hereditary breast cancer. Identifiers: Orphanet 227535, MedGen C0346153, MONDO:0016419, OMIM 114480. Disease mechanism: loss of function.
Fanconi anemia complementation group J. Also called: BRIP1-Related Fanconi Anemia. Identifiers: Orphanet 84, MedGen C1836860, MONDO:0012187, OMIM 609054.

Submission:

Labcorp Genetics (formerly Invitae), Labcorp
Classification: Uncertain significance for Familial cancer of breast; Fanconi anemia complementation group J. Last evaluated: 2025-02-25. Review status: criteria provided, single submitter. Criteria: Invitae Variant Classification Sherloc (09022015). Collection method: clinical testing. Allele origin: germline.
Comment: This sequence change replaces serine, which is neutral and polar, with proline, which is neutral and non-polar, at codon 1055 of the BRIP1 protein (p.Ser1055Pro). This variant is not present in population databases (gnomAD no frequency). This variant has not been reported in the literature in individuals affected with BRIP1-related conditions. ClinVar contains an entry for this variant (Variation ID: 1924964). An algorithm developed to predict the effect of missense changes on protein structure and function outputs the following: PolyPhen-2: "Benign". The proline amino acid residue is found in multiple mammalian species, which suggests that this missense change does not adversely affect protein function. In summary, the available evidence is currently insufficient to determine the role of this variant in disease. Therefore, it has been classified as a Variant of Uncertain Significance.

NM_032043.3(BRIP1):c.3163T>C (p.Ser1055Pro)

Gene: BRIP1 (BRCA1 interacting DNA helicase 1; minus strand). Cytogenetic location: 17q23.2.
Variant type: single nucleotide variant.
Coding change: c.3163T>C on transcript NM_032043.3 (MANE Select); coding-DNA position 3163, T replaced by C.
Protein change: p.Ser1055Pro; replaces serine 1055 with proline.
Molecular consequence: missense variant.
Genome position (GRCh38, 1-based): chr17:61,683,883, A>G on the plus strand (T>C on the coding strand, the complement: BRIP1 is on the minus strand). VCF-style: chr17-61683883-A-G. GRCh37 (hg19) VCF-style: chr17-59761244-A-G.
Other names: short protein forms S1055P.
Identifiers: ClinVar variation 1924964 (VCV001924964.5), dbSNP rs2144086036, ClinGen allele CA400479479.